The following is an entry in ClinVar:

ClinVar aggregate classification (germline): Conflicting classifications of pathogenicity. Review status: criteria provided, conflicting classifications (1 of 4 stars). 5 submissions from 5 submitters: Pathogenic (1); Likely pathogenic (3); Uncertain significance (1). Last evaluated 2026-04-16.

Conditions:
Isovaleryl-CoA dehydrogenase deficiency (IVA). Also called: ISOVALERIC ACID CoA DEHYDROGENASE DEFICIENCY; IVD DEFICIENCY; Isovaleric acidemia; Classic Isovaleric Acidemia. Identifiers: Orphanet 33, MedGen C0268575, MONDO:0009475, OMIM 243500.

Allele frequency attached by ClinVar (database versions not stated): gnomAD exomes 0.00001.

Submissions (5):

Dasa
Classification: Likely pathogenic. Last evaluated: 2026-04-16. Review status: criteria provided, single submitter. Criteria: DASA Assertion Criteria. Collection method: clinical testing. Allele origin: germline.
Comment: NM_002225.5(IVD):c.863C>T (p.Ala288Val) is a missense variant that results in the substitution of alanine with valine. Functional evidence supports a deleterious effect on the gene or gene product (PMID: 28535199). This variant has been reported in individuals with related phenotype (PMID: 28535199). Multiple computational predictions support a deleterious effect on the gene or gene product. The variant is present at low frequency in population datasets. Based on the available data, this variant is classified as likely pathogenic.

Fulgent Genetics
Classification: Likely pathogenic for Isovaleryl-CoA dehydrogenase deficiency. Last evaluated: 2024-06-06. Review status: criteria provided, single submitter. Criteria: ACMG Guidelines, 2015. Collection method: clinical testing. Allele origin: germline.

CeGaT Center for Human Genetics Tuebingen
Classification: Likely pathogenic. Last evaluated: 2021-08-01. Review status: criteria provided, single submitter. Criteria: CeGaT Center For Human Genetics Tuebingen Variant Classification Criteria Version 2. Collection method: clinical testing. Allele origin: germline. Affected: yes. Observed: 1 variant allele.

Eurofins Ntd Llc (ga)
Classification: Uncertain significance. Last evaluated: 2016-07-12. Review status: criteria provided, single submitter. Criteria: EGL Classification Definitions 2015. Collection method: clinical testing. Allele origin: germline. Observed: 1 variant allele, 1 heterozygote.

Pediatric/Medical Genetics, Ministry of Health, Qatif Central Hospital
Classification: Pathogenic for Isovaleryl-CoA dehydrogenase deficiency. Review status: criteria provided, single submitter. Criteria: ACMG Guidelines, 2015. Collection method: clinical testing. Allele origin: germline. Inheritance: Autosomal recessive inheritance. Affected: yes. Observed: 1 homozygote.

Literature cited by the submitters: PubMed 28535199 (cited by Dasa).

NM_002225.5(IVD):c.863C>T (p.Ala288Val)

Gene: IVD (isovaleryl-CoA dehydrogenase; plus strand). Cytogenetic location: 15q15.1.
Variant type: single nucleotide variant.
Coding change: c.863C>T on transcript NM_002225.5 (MANE Select); coding-DNA position 863, C replaced by T.
Protein change: p.Ala288Val; replaces alanine 288 with valine.
Molecular consequence: missense variant. On other transcripts: non-coding transcript variant (1).
Genome position (GRCh38, 1-based): chr15:40,414,967, C>T. VCF-style: chr15-40414967-C-T. GRCh37 (hg19) VCF-style: chr15-40707166-C-T.
Other names: c.773C>T, p.Ala258Val (NM_001159508.3); c.815C>T, p.Ala272Val (NM_001354597.3); c.863C>T, p.Ala288Val (NM_001354598.3, NM_001354601.3); c.950C>T, p.Ala317Val (NM_001354599.3, NM_001354600.3); c.872C>T (NM_002225.3); short protein forms A288V, A258V, A272V, A317V.
Identifiers: ClinVar variation 281076 (VCV000281076.44), dbSNP rs886042098, ClinGen allele CA10603806.
Genomic context (GRCh38, chr15:40,414,967, plus strand): 5'-ATGAGAATAAGGGTGTCTACGTGCTGATGAGTGGGCTGGACCTGGAGCGGCTGGTGCTGG[C>T]CGGGGGGCCTCTTGGGTAAGTGTGAGAGGCTTGAGGGAAGCTGGGCTCTGTCGGCCTCCT-3'
Protein context (NP_002216.3, residues 278-298): SGLDLERLVL[Ala288Val]GGPLGLMQAV